The following is an entry in ClinVar:

ClinVar aggregate classification (germline): Conflicting classifications of pathogenicity. Review status: criteria provided, conflicting classifications (1 of 4 stars). 2 submissions from 2 submitters: Uncertain significance (1); Benign (1). Last evaluated 2025-08-27.

Allele frequency attached by ClinVar (database versions not stated): gnomAD 0.00001; TOPMed 0.00002; gnomAD exomes 0.00001.
gnomAD v4.1: 5 of 1,475,818 alleles (0.00034%); highest among the groups gnomAD compares: African/African-American, 0.0028%; no homozygotes.

Submissions (2):

Labcorp Genetics (formerly Invitae), Labcorp
Classification: Benign. Last evaluated: 2025-08-27. Review status: criteria provided, single submitter. Criteria: Invitae Variant Classification Sherloc (09022015). Collection method: clinical testing. Allele origin: germline.

Women's Health and Genetics/Laboratory Corporation of America, LabCorp
Classification: Uncertain significance. Last evaluated: 2024-05-28. Review status: criteria provided, single submitter. Criteria: LabCorp Variant Classification Summary - May 2015. Collection method: clinical testing. Allele origin: germline.
Comment: Variant summary: KMT2C c.12806T>C (p.Met4269Thr) results in a non-conservative amino acid change in the encoded protein sequence. Three of four in-silico tools predict a benign effect of the variant on protein function. The variant allele was found at a frequency of 6.1e-06 in 164358 control chromosomes. The available data on variant occurrences in the general population are insufficient to allow any conclusion about variant significance. To our knowledge, no occurrence of c.12806T>C in individuals affected with Kleefstra Syndrome 2 and no experimental evidence demonstrating its impact on protein function have been reported. No submitters have cited clinical-significance assessments for this variant to ClinVar. Based on the evidence outlined above, the variant was classified as uncertain significance.

NM_170606.3(KMT2C):c.12806T>C (p.Met4269Thr)

Gene: KMT2C (lysine methyltransferase 2C; minus strand). Cytogenetic location: 7q36.1.
Variant type: single nucleotide variant.
Coding change: c.12806T>C on transcript NM_170606.3 (MANE Select); coding-DNA position 12806, T replaced by C.
Protein change: p.Met4269Thr; replaces methionine 4269 with threonine.
Molecular consequence: missense variant.
Genome position (GRCh38, 1-based): chr7:152,149,121, A>G on the plus strand (T>C on the coding strand, the complement: KMT2C is on the minus strand). VCF-style: chr7-152149121-A-G. GRCh37 (hg19) VCF-style: chr7-151846206-A-G.
Other names: short protein forms M4269T.
Identifiers: ClinVar variation 2978770 (VCV002978770.4), dbSNP rs895237296, ClinGen allele CA169221105.